The following is an entry in ClinVar:

ClinVar aggregate classification (germline): Uncertain significance. Review status: criteria provided, multiple submitters, no conflicts (2 of 4 stars). 2 submissions from 2 submitters: Uncertain significance (2). Last evaluated 2026-01-19.

Submissions (2):

Labcorp Genetics (formerly Invitae), Labcorp
Classification: Uncertain significance. Last evaluated: 2026-01-19. Review status: criteria provided, single submitter. Criteria: Invitae Variant Classification Sherloc (09022015). Collection method: clinical testing. Allele origin: germline.
Comment: This sequence change affects the initiator codon of the TNFSF11 mRNA. This change may impact translation initiation or efficiency. The next in-frame methionine is located at codon 18. This variant is present in population databases (rs201199211, gnomAD 0.004%). This variant has not been reported in the literature in individuals affected with TNFSF11-related conditions. ClinVar contains an entry for this variant (Variation ID: 1417724). Experimental studies and prediction algorithms are not available or were not evaluated, and the functional significance of this variant is currently unknown. In summary, the available evidence is currently insufficient to determine the role of this variant in disease. Therefore, it has been classified as a Variant of Uncertain Significance.

Blueprint Genetics
Classification: Uncertain significance. Last evaluated: 2019-12-20. Review status: criteria provided, single submitter. Criteria: ACMG Guidelines, 2015. Collection method: clinical testing. Allele origin: germline.

NM_003701.4(TNFSF11):c.2T>A (p.Met1Lys)

Genes: TNFSF11 (TNF superfamily member 11; plus strand), LOC130009662 (ATAC-STARR-seq lymphoblastoid silent region 5301; plus strand). Cytogenetic location: 13q14.11.
Variant type: single nucleotide variant.
Coding change: c.2T>A on transcript NM_003701.4 (MANE Select); coding-DNA position 2, T replaced by A.
Protein change: p.Met1Lys; changes the start codon (methionine 1).
Molecular consequence: missense variant, initiator codon variant. On other transcripts: intron variant (1).
Genome position (GRCh38, 1-based): chr13:42,574,305, T>A. VCF-style: chr13-42574305-T-A. GRCh37 (hg19) VCF-style: chr13-43148441-T-A.
Other names: c.-1+2567T>A (NM_033012.4); short protein forms M1K.
Identifiers: ClinVar variation 1417724 (VCV001417724.9), dbSNP rs201199211, ClinGen allele CA249049721.